The following is an entry in ClinVar:

ClinVar aggregate classification (germline): Conflicting classifications of pathogenicity. Review status: criteria provided, conflicting classifications (1 of 4 stars). 2 submissions from 2 submitters: Uncertain significance (1); Likely benign (1). Last evaluated 2023-07-14.

Allele frequency attached by ClinVar (database versions not stated): TOPMed below 0.00001; gnomAD 0.00001; gnomAD exomes 0.00002.
gnomAD v4.1: 22 of 1,610,328 alleles (0.0014%); highest among the groups gnomAD compares: Non-Finnish European, 0.0019%; no homozygotes.

Submissions (2):

Labcorp Genetics (formerly Invitae), Labcorp
Classification: Likely benign. Last evaluated: 2023-07-14. Review status: criteria provided, single submitter. Criteria: Invitae Variant Classification Sherloc (09022015). Collection method: clinical testing. Allele origin: germline.

Laboratory for Molecular Medicine, Mass General Brigham Personalized Medicine
Classification: Uncertain significance. Last evaluated: 2016-10-06. Review status: criteria provided, single submitter. Criteria: LMM Criteria. Collection method: clinical testing. Allele origin: germline. Observed: 1 variant allele.
Comment: The c.652-9T>G variant in USH2A has not been previously reported in individuals with hearing loss or Usher syndrome, or in large population studies. This varian t is located in the 5' splice region. Computational tools do not suggest an impa ct to splicing. However, this information is not predictive enough to rule out p athogenicity. In summary, the clinical significance of the c.652-9T>G variant is uncertain.

NM_206933.4(USH2A):c.652-9T>G

Gene: USH2A (usherin; minus strand). Cytogenetic location: 1q41.
Variant type: single nucleotide variant.
Coding change: c.652-9T>G on transcript NM_206933.4 (MANE Select); 9 bases into the intron before coding-DNA position 652, T replaced by G.
Molecular consequence: intron variant.
Genome position (GRCh38, 1-based): chr1:216,365,094, A>C on the plus strand (T>G on the coding strand, the complement: USH2A is on the minus strand). VCF-style: chr1-216365094-A-C. GRCh37 (hg19) VCF-style: chr1-216538436-A-C.
Other names: c.652-9T>G (NM_007123.6).
Identifiers: ClinVar variation 505346 (VCV000505346.9), dbSNP rs1231791432, ClinGen allele CA658795596.
Genomic context (GRCh38, chr1:216,365,094, plus strand): 5'-TATGATCCTTCTCCACGCCATTGATAAAGAAGCTGATTTTTGTCTGATGCACCTGTAAGA[A>C]ATTACCACCATTATTAGTTTAAGTGCATAAACTTTTATTTTATATTAAACACATTTCAGC-3'